The following is an entry in ClinVar:

NM_003816.3(ADAM9):c.1537T>A (p.Tyr513Asn)

Gene: ADAM9 (ADAM metallopeptidase domain 9; plus strand). Cytogenetic location: 8p11.22.
Variant type: single nucleotide variant.
Coding change: c.1537T>A on transcript NM_003816.3 (MANE Select); coding-DNA position 1537, T replaced by A.
Protein change: p.Tyr513Asn; replaces tyrosine 513 with asparagine.
Molecular consequence: missense variant. On other transcripts: non-coding transcript variant (3).
Genome position (GRCh38, 1-based): chr8:39,055,718, T>A. VCF-style: chr8-39055718-T-A. GRCh37 (hg19) VCF-style: chr8-38913237-T-A.
Other names: short protein forms Y513N.
Identifiers: ClinVar variation 963315 (VCV000963315.6), dbSNP rs1422167606, ClinGen allele CA370743818.
Genomic context (GRCh38, chr8:39,055,718, plus strand): 5'-TGTCAGCCAGATGTTTTTATTCAGAATGGATATCCTTGCCAGAATAACAAAGCCTATTGC[T>A]ACAACGGCATGTGCCAGTATTATGATGCTCAATGTCAAGTCATCTTTGGCTCAAGTAAGA-3'
Protein context (NP_003807.1, residues 503-523): YPCQNNKAYC[Tyr513Asn]NGMCQYYDAQ

ClinVar aggregate classification (germline): Uncertain significance (1 of 4 stars; one submission).

Submission:

Labcorp Genetics (formerly Invitae), Labcorp
Classification: Uncertain significance. Last evaluated: 2022-10-13. Review status: criteria provided, single submitter. Criteria: Invitae Variant Classification Sherloc (09022015). Collection method: clinical testing. Allele origin: germline.
Comment: In summary, the available evidence is currently insufficient to determine the role of this variant in disease. Therefore, it has been classified as a Variant of Uncertain Significance. Advanced modeling of protein sequence and biophysical properties (such as structural, functional, and spatial information, amino acid conservation, physicochemical variation, residue mobility, and thermodynamic stability) performed at Invitae indicates that this missense variant is expected to disrupt ADAM9 protein function. ClinVar contains an entry for this variant (Variation ID: 963315). This variant has not been reported in the literature in individuals affected with ADAM9-related conditions. This variant is not present in population databases (gnomAD no frequency). This sequence change replaces tyrosine, which is neutral and polar, with asparagine, which is neutral and polar, at codon 513 of the ADAM9 protein (p.Tyr513Asn).